The following is an entry in ClinVar:

ClinVar aggregate classification (germline): Conflicting classifications of pathogenicity. Review status: criteria provided, conflicting classifications (1 of 4 stars). 2 submissions from 2 submitters: Uncertain significance (1); Likely benign (1). Last evaluated 2025-12-15.

Conditions:
Inborn genetic diseases. Identifiers: MedGen C0950123, MeSH D030342.

Allele frequency attached by ClinVar (database versions not stated): gnomAD 0.00001; ExAC 0.00002.
gnomAD v4.1: 41 of 1,611,428 alleles (0.0025%); highest among the groups gnomAD compares: South Asian, 0.0077%; no homozygotes.

Submissions (2):

Labcorp Genetics (formerly Invitae), Labcorp
Classification: Uncertain significance. Last evaluated: 2025-12-15. Review status: criteria provided, single submitter. Criteria: Invitae Variant Classification Sherloc (09022015). Collection method: clinical testing. Allele origin: germline.
Comment: This sequence change replaces arginine, which is basic and polar, with tryptophan, which is neutral and slightly polar, at codon 1201 of the MACF1 protein (p.Arg1201Trp). This variant is present in population databases (rs754072174, gnomAD 0.002%). This variant has not been reported in the literature in individuals affected with MACF1-related conditions. ClinVar contains an entry for this variant (Variation ID: 2532984). An algorithm developed to predict the effect of missense changes on protein structure and function outputs the following: PolyPhen-2: "Possibly Damaging". The tryptophan amino acid residue is found in multiple mammalian species, which suggests that this missense change does not adversely affect protein function. In summary, the available evidence is currently insufficient to determine the role of this variant in disease. Therefore, it has been classified as a Variant of Uncertain Significance.

Ambry Genetics
Classification: Likely benign for Inborn genetic diseases. Last evaluated: 2023-04-17. Review status: criteria provided, single submitter. Criteria: Ambry Variant Classification Scheme 2023. Collection method: clinical testing. Allele origin: germline.

NM_001394062.1(MACF1):c.3586C>T (p.Arg1196Trp)

Gene: MACF1 (microtubule actin crosslinking factor 1; plus strand). Cytogenetic location: 1p34.3.
Variant type: single nucleotide variant.
Coding change: c.3586C>T on transcript NM_001394062.1 (MANE Select); coding-DNA position 3586, C replaced by T.
Protein change: p.Arg1196Trp; replaces arginine 1196 with tryptophan.
Molecular consequence: missense variant.
Genome position (GRCh38, 1-based): chr1:39,316,527, C>T. VCF-style: chr1-39316527-C-T. GRCh37 (hg19) VCF-style: chr1-39782199-C-T.
Other names: c.3601C>T, p.Arg1201Trp (NM_012090.5); short protein forms R1196W, R1201W.
Identifiers: ClinVar variation 2532984 (VCV002532984.4), dbSNP rs754072174, ClinGen allele CA780008.